The following is an entry in ClinVar:

ClinVar aggregate classification (germline): Likely pathogenic (1 of 4 stars; one submission).

Conditions:
Hypophosphatasia. Also called: Phosphoethanol-aminuria. Identifiers: Orphanet 436, MedGen C0020630, MeSH D007014, MONDO:0018570.

Submission:

Genomenon, Inc
Classification: Likely pathogenic for Hypophosphatasia. Last evaluated: 2025-08-29. Review status: criteria provided, single submitter. Criteria: Genomenon Sequence Variant Interpretation Standards. Collection method: curation. Allele origin: germline. Affected: yes.
Comment: ALPL c.277C>T is a missense variant that changes the amino acid at residue 93 from Proline to Serine. This variant has been observed in at least one proband affected with hypophosphatasia (PMID:17409132). The variant was found to segregate with disease in at least one affected family (PMID:17409132). Functional studies have been reported;however, the significance of the findings remain unclear (PMID:32160374). It is absent or not present at a significant frequency in gnomAD. In silico models agree that this variant is possibly or probably damaging. In conclusion, we classify ALPL p.Pro93Ser (c.277C>T) as a likely pathogenic variant.

Literature cited by the submitters: PubMed 17409132; PubMed 32160374.

NM_000478.6(ALPL):c.277C>T (p.Pro93Ser)

Gene: ALPL (alkaline phosphatase, biomineralization associated; plus strand). Cytogenetic location: 1p36.12.
Variant type: single nucleotide variant.
Coding change: c.277C>T on transcript NM_000478.6 (MANE Select); coding-DNA position 277, C replaced by T.
Protein change: p.Pro93Ser; replaces proline 93 with serine.
Molecular consequence: missense variant. On other transcripts: intron variant (1).
Genome position (GRCh38, 1-based): chr1:21,561,192, C>T. VCF-style: chr1-21561192-C-T. GRCh37 (hg19) VCF-style: chr1-21887685-C-T.
Other names: c.112C>T, p.Pro38Ser (NM_001127501.4); c.277C>T, p.Pro93Ser (NM_001369803.2, NM_001369804.2, NM_001369805.2); c.66+447C>T (NM_001177520.3); short protein forms P38S, P93S.
Identifiers: ClinVar variation 4086923 (VCV004086923.1).